The following is an entry in ClinVar:

NM_015164.4(PLEKHM2):c.8C>T (p.Pro3Leu)

Gene: PLEKHM2 (pleckstrin homology and RUN domain containing M2; plus strand). Cytogenetic location: 1p36.21.
Variant type: single nucleotide variant.
Coding change: c.8C>T on transcript NM_015164.4 (MANE Select); coding-DNA position 8, C replaced by T.
Protein change: p.Pro3Leu; replaces proline 3 with leucine.
Molecular consequence: missense variant.
Genome position (GRCh38, 1-based): chr1:15,684,566, C>T. VCF-style: chr1-15684566-C-T. GRCh37 (hg19) VCF-style: chr1-16011061-C-T.
Other names: short protein forms P3L.
Identifiers: ClinVar variation 843391 (VCV000843391.11), dbSNP rs866837651, ClinGen allele CA338572420.

ClinVar aggregate classification (germline): Uncertain significance. Review status: criteria provided, multiple submitters, no conflicts (2 of 4 stars). 2 submissions from 2 submitters: Uncertain significance (2). Last evaluated 2025-09-08.

Allele frequency attached by ClinVar (database versions not stated): gnomAD 0.00001; TOPMed 0.00003.
gnomAD v4.1: 10 of 1,289,624 alleles (0.00078%); highest among the groups gnomAD compares: Non-Finnish European, 0.001%; no homozygotes.

Submissions (2):

Labcorp Genetics (formerly Invitae), Labcorp
Classification: Uncertain significance. Last evaluated: 2025-09-08. Review status: criteria provided, single submitter. Criteria: Invitae Variant Classification Sherloc (09022015). Collection method: clinical testing. Allele origin: germline.
Comment: This sequence change replaces proline, which is neutral and non-polar, with leucine, which is neutral and non-polar, at codon 3 of the PLEKHM2 protein (p.Pro3Leu). This variant is not present in population databases (gnomAD no frequency). This variant has not been reported in the literature in individuals affected with PLEKHM2-related conditions. ClinVar contains an entry for this variant (Variation ID: 843391). An algorithm developed to predict the effect of missense changes on protein structure and function (PolyPhen-2) suggests that this variant is likely to be tolerated. In summary, the available evidence is currently insufficient to determine the role of this variant in disease. Therefore, it has been classified as a Variant of Uncertain Significance.

Ambry Genetics
Classification: Uncertain significance. Last evaluated: 2023-05-03. Review status: criteria provided, single submitter. Criteria: Ambry Variant Classification Scheme 2023. Collection method: clinical testing. Allele origin: germline.